The following is an entry in ClinVar:

NM_198576.4(AGRN):c.1232G>A (p.Arg411His)

Gene: AGRN (agrin; plus strand). Cytogenetic location: 1p36.33.
Variant type: single nucleotide variant.
Coding change: c.1232G>A on transcript NM_198576.4 (MANE Select); coding-DNA position 1232, G replaced by A.
Protein change: p.Arg411His; replaces arginine 411 with histidine.
Molecular consequence: missense variant.
Genome position (GRCh38, 1-based): chr1:1,042,010, G>A. VCF-style: chr1-1042010-G-A. GRCh37 (hg19) VCF-style: chr1-977390-G-A.
Other names: c.1232G>A, p.Arg411His (NM_001305275.2); c.917G>A, p.Arg306His (NM_001364727.2); c.1232G>A (NM_198576.3); short protein forms R306H, R411H.
Identifiers: ClinVar variation 1520672 (VCV001520672.7), dbSNP rs201787384, ClinGen allele CA508082.
Genomic context (GRCh38, chr1:1,042,010, plus strand): 5'-TCCTAGACCAGTGCCCGGAGCCCTGCCGGTTCAATGCCGTGTGCCTGTCCCGCCGTGGCC[G>A]TCCCCGCTGCTCCTGCGACCGCGTCACCTGTGACGGGGCCTACAGGCCCGTGTGTGCCCA-3'
Protein context (NP_940978.2, residues 401-421): FNAVCLSRRG[Arg411His]PRCSCDRVTC

ClinVar aggregate classification (germline): Uncertain significance. Review status: criteria provided, multiple submitters, no conflicts (2 of 4 stars). 2 submissions from 2 submitters: Uncertain significance (2). Last evaluated 2025-06-26.

Conditions:
Inborn genetic diseases. Identifiers: MedGen C0950123, MeSH D030342.
Congenital myasthenic syndrome 8. Also called: Myasthenic syndrome, congenital, 8, with pre- and postsynaptic defects; MYASTHENIC SYNDROME, CONGENITAL, DUE TO AGRIN DEFICIENCY. Identifiers: Orphanet 590, MedGen C3808739, MONDO:0014052, OMIM 615120.

Allele frequency attached by ClinVar (database versions not stated): gnomAD exomes 0.00001; ExAC 0.00002; TOPMed 0.00002; gnomAD 0.00004; 1000 Genomes Project 30x 0.00016; 1000 Genomes Project 0.00020.

Submissions (2):

Ambry Genetics
Classification: Uncertain significance for Inborn genetic diseases. Last evaluated: 2025-06-26. Review status: criteria provided, single submitter. Criteria: Ambry Variant Classification Scheme 2023. Collection method: clinical testing. Allele origin: germline.

Labcorp Genetics (formerly Invitae), Labcorp
Classification: Uncertain significance for Congenital myasthenic syndrome 8. Last evaluated: 2022-07-05. Review status: criteria provided, single submitter. Criteria: Invitae Variant Classification Sherloc (09022015). Collection method: clinical testing. Allele origin: germline.
Comment: In summary, the available evidence is currently insufficient to determine the role of this variant in disease. Therefore, it has been classified as a Variant of Uncertain Significance. Algorithms developed to predict the effect of missense changes on protein structure and function output the following: SIFT: "Tolerated"; PolyPhen-2: "Possibly Damaging"; Align-GVGD: "Class C0". The histidine amino acid residue is found in multiple mammalian species, which suggests that this missense change does not adversely affect protein function. ClinVar contains an entry for this variant (Variation ID: 1520672). This variant has not been reported in the literature in individuals affected with AGRN-related conditions. The frequency data for this variant in the population databases is considered unreliable, as metrics indicate poor data quality at this position in the gnomAD database. This sequence change replaces arginine, which is basic and polar, with histidine, which is basic and polar, at codon 411 of the AGRN protein (p.Arg411His).